The following is an entry in ClinVar:

ClinVar aggregate classification (germline): Likely benign. Review status: criteria provided, multiple submitters, no conflicts (2 of 4 stars). 2 submissions from 2 submitters: Likely benign (2). Last evaluated 2026-01-27.

Conditions:
3-methylglutaconic aciduria, type VIIB (MGCA7B). Also called: 3-methylglutaconic aciduria, type VII, with cataracts, neurologic involvement and neutropenia; 3-methylglutaconic aciduria with cataracts, neurologic involvement and neutropenia; CLPB Deficiency. Identifiers: Orphanet 445038, MedGen C5676893, MONDO:0014561, OMIM 616271.

Submissions (2):

Labcorp Genetics (formerly Invitae), Labcorp
Classification: Likely benign for 3-methylglutaconic aciduria, type VIIB. Last evaluated: 2026-01-27. Review status: criteria provided, single submitter. Criteria: Invitae Variant Classification Sherloc (09022015). Collection method: clinical testing. Allele origin: germline.

GeneDx
Classification: Likely benign. Last evaluated: 2024-01-18. Review status: criteria provided, single submitter. Criteria: GeneDx Variant Classification Process June 2021. Collection method: clinical testing. Allele origin: germline. Affected: yes.
Comment: See Variant Classification Assertion Criteria.

NM_001258392.3(CLPB):c.1474_1475delinsTG (p.Ala492Cys)

Gene: CLPB (ClpB family mitochondrial disaggregase; minus strand). Cytogenetic location: 11q13.4.
Variant type: Indel.
Coding change: c.1474_1475delinsTG on transcript NM_001258392.3 (MANE Select); coding-DNA positions 1474 to 1475, GC replaced by TG.
Protein change: p.Ala492Cys; replaces alanine 492 with cysteine.
Molecular consequence: missense variant.
Genome position (GRCh38, 1-based): chr11:72,295,503-72,295,504, GC replaced by CA on the plus strand (GC replaced by TG on the coding strand, the reverse complement: CLPB is on the minus strand). VCF-style: chr11-72295503-GC-CA. GRCh37 (hg19) VCF-style: chr11-72006547-GC-CA.
Other names: c.1564_1565delinsTG (NM_030813.5); c.1387_1388delinsTG, p.Ala463Cys (NM_001258393.3); c.1429_1430delinsTG, p.Ala477Cys (NM_001258394.3); c.1564_1565delinsTG, p.Ala522Cys (NM_030813.6); short protein forms A477C, A522C, A463C, A492C.
Identifiers: ClinVar variation 542782 (VCV000542782.16), dbSNP rs1555085159, ClinGen allele CA658797708.